The following is an entry in ClinVar:

NM_007227.3(GPR45):c.542A>T (p.Gln181Leu)

Gene: GPR45 (G protein-coupled receptor 45; plus strand). Cytogenetic location: 2q12.1.
Variant type: single nucleotide variant.
Coding change: c.542A>T on transcript NM_007227.3 (MANE Select); coding-DNA position 542, A replaced by T.
Protein change: p.Gln181Leu; replaces glutamine 181 with leucine.
Molecular consequence: missense variant.
Genome position (GRCh38, 1-based): chr2:105,242,400, A>T. VCF-style: chr2-105242400-A-T. GRCh37 (hg19) VCF-style: chr2-105858857-A-T.
Other names: short protein forms Q181L.
Identifiers: ClinVar variation 3855348 (VCV003855348.2).

ClinVar aggregate classification (germline): Uncertain significance. Review status: criteria provided, multiple submitters, no conflicts (2 of 4 stars). 2 submissions from 2 submitters: Uncertain significance (2). Last evaluated 2025-05-26.

Submissions (2):

Labcorp Genetics (formerly Invitae), Labcorp
Classification: Uncertain significance. Last evaluated: 2025-05-26. Review status: criteria provided, single submitter. Criteria: Invitae Variant Classification Sherloc (09022015). Collection method: clinical testing. Allele origin: germline.
Comment: This sequence change replaces glutamine, which is neutral and polar, with leucine, which is neutral and non-polar, at codon 181 of the GPR45 protein (p.Gln181Leu). This variant is present in population databases (rs368662446, gnomAD 0.007%). This variant has not been reported in the literature in individuals affected with GPR45-related conditions. ClinVar contains an entry for this variant (Variation ID: 3855348). An algorithm developed to predict the effect of missense changes on protein structure and function (PolyPhen-2) suggests that this variant is likely to be tolerated. In summary, the available evidence is currently insufficient to determine the role of this variant in disease. Therefore, it has been classified as a Variant of Uncertain Significance.

Ambry Genetics
Classification: Uncertain significance. Last evaluated: 2025-02-01. Review status: criteria provided, single submitter. Criteria: Ambry Variant Classification Scheme 2023. Collection method: clinical testing. Allele origin: germline.